The following is an entry in ClinVar:

NM_014915.3(ANKRD26):c.1528G>A (p.Ala510Thr)

Gene: ANKRD26 (ankyrin repeat domain 26; minus strand). Cytogenetic location: 10p12.1.
Variant type: single nucleotide variant.
Coding change: c.1528G>A on transcript NM_014915.3 (MANE Select); coding-DNA position 1528, G replaced by A.
Protein change: p.Ala510Thr; replaces alanine 510 with threonine.
Molecular consequence: missense variant.
Genome position (GRCh38, 1-based): chr10:27,060,381, C>T on the plus strand (G>A on the coding strand, the complement: ANKRD26 is on the minus strand). VCF-style: chr10-27060381-C-T. GRCh37 (hg19) VCF-style: chr10-27349310-C-T.
Other names: c.1528G>A, p.Ala510Thr (NM_001256053.2); short protein forms A510T.
Identifiers: ClinVar variation 2888388 (VCV002888388.5), dbSNP rs2055011579, ClinGen allele CA376357135.

ClinVar aggregate classification (germline): Conflicting classifications of pathogenicity. Review status: criteria provided, conflicting classifications (1 of 4 stars). 2 submissions from 2 submitters: Uncertain significance (1); Likely benign (1). Last evaluated 2025-05-24.

Conditions:
Inborn genetic diseases. Identifiers: MedGen C0950123, MeSH D030342.

Allele frequency attached by ClinVar (database versions not stated): gnomAD exomes below 0.00001.
gnomAD v4.1: 2 of 1,612,950 alleles (0.00012%); highest among the groups gnomAD compares: Non-Finnish European, 0.00017%; no homozygotes.

Submissions (2):

Ambry Genetics
Classification: Likely benign for Inborn genetic diseases. Last evaluated: 2025-05-24. Review status: criteria provided, single submitter. Criteria: Ambry Variant Classification Scheme 2023. Collection method: clinical testing. Allele origin: germline.

Labcorp Genetics (formerly Invitae), Labcorp
Classification: Uncertain significance. Last evaluated: 2023-04-14. Review status: criteria provided, single submitter. Criteria: Invitae Variant Classification Sherloc (09022015). Collection method: clinical testing. Allele origin: germline.
Comment: This sequence change replaces alanine, which is neutral and non-polar, with threonine, which is neutral and polar, at codon 510 of the ANKRD26 protein (p.Ala510Thr). This variant is not present in population databases (gnomAD no frequency). This variant has not been reported in the literature in individuals affected with ANKRD26-related conditions. Algorithms developed to predict the effect of missense changes on protein structure and function output the following: SIFT: "Not Available"; PolyPhen-2: "Benign"; Align-GVGD: "Not Available". The threonine amino acid residue is found in multiple mammalian species, which suggests that this missense change does not adversely affect protein function. Algorithms developed to predict the effect of sequence changes on RNA splicing suggest that this variant may create or strengthen a splice site. In summary, the available evidence is currently insufficient to determine the role of this variant in disease. Therefore, it has been classified as a Variant of Uncertain Significance.